The following is an entry in ClinVar:

NM_032242.4(PLXNA1):c.1267G>A (p.Gly423Arg)

Gene: PLXNA1 (plexin A1; plus strand). Cytogenetic location: 3q21.3.
Variant type: single nucleotide variant.
Coding change: c.1267G>A on transcript NM_032242.4 (MANE Select); coding-DNA position 1267, G replaced by A.
Protein change: p.Gly423Arg; replaces glycine 423 with arginine.
Molecular consequence: missense variant.
Genome position (GRCh38, 1-based): chr3:126,991,456, G>A. VCF-style: chr3-126991456-G-A. GRCh37 (hg19) VCF-style: chr3-126710299-G-A.
Other names: short protein forms G423R.
Identifiers: ClinVar variation 4984321 (VCV004984321.1).

ClinVar aggregate classification (germline): Uncertain significance (1 of 4 stars; one submission).

Conditions:
PLXNA1-related disorder. Also called: PLXNA1-related condition.

Submission:

PreventionGenetics, part of Exact Sciences
Classification: Uncertain significance for PLXNA1-related condition. Last evaluated: 2026-07-22. Review status: criteria provided, single submitter. Criteria: ACMG Guidelines, 2015. Collection method: clinical testing. Allele origin: germline.
Comment: The PLXNA1 c.1267G>A variant is predicted to result in the amino acid substitution p.Gly423Arg. To our knowledge, this variant has not been reported in the literature or in a large population database (gnomAD), indicating this variant is rare. At this time, the clinical significance of this variant is uncertain due to the absence of conclusive functional and genetic evidence.